The following is an entry in ClinVar:

ClinVar aggregate classification (germline): Likely benign (0 of 4 stars; one submission).

Conditions:
NRP2-related disorder. Also called: NRP2-related condition.

Allele frequency attached by ClinVar (database versions not stated): ExAC 0.00027; 1000 Genomes Project 30x 0.00078; 1000 Genomes Project 0.00100.
gnomAD v4.1: 171 of 1,614,236 alleles (0.011%); highest among the groups gnomAD compares: South Asian, 0.12%; 4 homozygotes.

Submission:

PreventionGenetics, part of Exact Sciences
Classification: Likely benign for NRP2-related condition. Last evaluated: 2023-08-01. Review status: no assertion criteria provided. Collection method: clinical testing. Allele origin: germline.
Comment: This variant is classified as likely benign based on ACMG/AMP sequence variant interpretation guidelines (Richards et al. 2015 PMID: 25741868, with internal and published modifications).

NM_003872.3(NRP2):c.1468G>A (p.Val490Ile)

Gene: NRP2 (neuropilin 2; plus strand). Cytogenetic location: 2q33.3.
Variant type: single nucleotide variant.
Coding change: c.1468G>A on transcript NM_003872.3 (MANE Select); coding-DNA position 1468, G replaced by A.
Protein change: p.Val490Ile; replaces valine 490 with isoleucine.
Molecular consequence: missense variant.
Genome position (GRCh38, 1-based): chr2:205,743,379, G>A. VCF-style: chr2-205743379-G-A. GRCh37 (hg19) VCF-style: chr2-206608103-G-A.
Other names: c.1468G>A, p.Val490Ile (NM_018534.4, NM_201264.2, NM_201266.2 and 2 more transcripts); short protein forms V490I.
Identifiers: ClinVar variation 3046082 (VCV003046082.2), dbSNP rs375155400, ClinGen allele CA2069109.
Genomic context (GRCh38, chr2:205,743,379, plus strand): 5'-AGCCGCTCGGGCTGGTTCCCTCGAATCCCTCAGGCCCAGCCCGGTGAGGAGTGGCTTCAG[G>A]TAGATCTGGGAACACCCAAGACAGTGAAAGGTGTCATCATCCAGGGAGCCCGCGGAGGAG-3'
Protein context (NP_003863.2, residues 480-500): QAQPGEEWLQ[Val490Ile]DLGTPKTVKG